The following is an entry in ClinVar:

ClinVar aggregate classification (germline): Uncertain significance (1 of 4 stars; one submission).

Conditions:
Rhabdoid tumor predisposition syndrome 2 (RTPS2). Identifiers: Orphanet 231108, Orphanet 69077, MedGen C2750074, MONDO:0013224, OMIM 613325.

Submission:

Labcorp Genetics (formerly Invitae), Labcorp
Classification: Uncertain significance for Rhabdoid tumor predisposition syndrome 2. Last evaluated: 2024-04-05. Review status: criteria provided, single submitter. Criteria: Invitae Variant Classification Sherloc (09022015). Collection method: clinical testing. Allele origin: germline.
Comment: This sequence change replaces lysine, which is basic and polar, with arginine, which is basic and polar, at codon 455 of the SMARCA4 protein (p.Lys455Arg). This variant is not present in population databases (gnomAD no frequency). This variant has not been reported in the literature in individuals affected with SMARCA4-related conditions. ClinVar contains an entry for this variant (Variation ID: 1038877). Advanced modeling of protein sequence and biophysical properties (such as structural, functional, and spatial information, amino acid conservation, physicochemical variation, residue mobility, and thermodynamic stability) has been performed at Invitae for this missense variant, however the output from this modeling did not meet the statistical confidence thresholds required to predict the impact of this variant on SMARCA4 protein function. In summary, the available evidence is currently insufficient to determine the role of this variant in disease. Therefore, it has been classified as a Variant of Uncertain Significance.

NM_003072.5(SMARCA4):c.1364A>G (p.Lys455Arg)

Gene: SMARCA4 (SWI/SNF related BAF chromatin remodeling complex subunit ATPase 4; plus strand). Cytogenetic location: 19p13.2.
Variant type: single nucleotide variant.
Coding change: c.1364A>G on transcript NM_003072.5 (MANE Select); coding-DNA position 1364, A replaced by G.
Protein change: p.Lys455Arg; replaces lysine 455 with arginine.
Molecular consequence: missense variant. On other transcripts: non-coding transcript variant (1).
Genome position (GRCh38, 1-based): chr19:10,991,268, A>G. VCF-style: chr19-10991268-A-G. GRCh37 (hg19) VCF-style: chr19-11101944-A-G.
Other names: c.1364A>G, p.Lys455Arg (NM_001128844.3, NM_001128845.2, NM_001128846.2 and 5 more transcripts); short protein forms K455R.
Identifiers: ClinVar variation 1038877 (VCV001038877.8), dbSNP rs2086536067, ClinGen allele CA404060940.
Genomic context (GRCh38, chr19:10,991,268, plus strand): 5'-ATGCTAAGGCCTACAAGCGCAGCAAGCGCCAGTCCCTGCGCGAGGCCCGCATCACTGAGA[A>G]GCTGGAGAAGCAGCAGAAGATCGAGCAGGAGCGCAAGCGCCGGCAGAAGCACCAGGTACG-3'
Protein context (NP_003063.2, residues 445-465): QSLREARITE[Lys455Arg]LEKQQKIEQE